The following is an entry in ClinVar:

NM_018418.5(SPATA7):c.1425G>T (p.Leu475Phe)

Gene: SPATA7 (spermatogenesis associated 7; plus strand). Cytogenetic location: 14q31.3.
Variant type: single nucleotide variant.
Coding change: c.1425G>T on transcript NM_018418.5 (MANE Select); coding-DNA position 1425, G replaced by T.
Protein change: p.Leu475Phe; replaces leucine 475 with phenylalanine.
Molecular consequence: missense variant.
Genome position (GRCh38, 1-based): chr14:88,438,047, G>T. VCF-style: chr14-88438047-G-T. GRCh37 (hg19) VCF-style: chr14-88904391-G-T.
Other names: c.1329G>T, p.Leu443Phe (NM_001040428.4); short protein forms L475F, L443F.
Identifiers: ClinVar variation 314789 (VCV000314789.12), dbSNP rs181052380, ClinGen allele CA7298811.

ClinVar aggregate classification (germline): Uncertain significance. Review status: criteria provided, multiple submitters, no conflicts (2 of 4 stars). 6 submissions from 5 submitters: Uncertain significance (5). 1 of the submissions does not count toward it. Last evaluated 2024-10-24.

Conditions:
Retinitis pigmentosa (RP). Identifiers: Orphanet 791, MedGen C0035334, MeSH D012174, MONDO:0019200, OMIM 268000. Inheritance: Autosomal dominant, autosomal recessive and X linked inheritance.
Leber congenital amaurosis 3 (LCA3). Also called: SPATA7-Related Retinitis Pigmentosa. Identifiers: MedGen C1858677, MONDO:0011415, OMIM 604232.
Retinal dystrophy. Also called: Inherited retinal dystrophy. Identifiers: Orphanet 71862, MedGen C0854723, MeSH D058499, MONDO:0019118, HP:0000556.

Allele frequency attached by ClinVar (database versions not stated): ExAC 0.00005; gnomAD exomes 0.00006; gnomAD 0.00009; 1000 Genomes Project 30x 0.00016; TOPMed 0.00017; 1000 Genomes Project 0.00020.
gnomAD v4.1: 62 of 1,614,086 alleles (0.0038%); highest among the groups gnomAD compares: Middle Eastern, 0.12%; no homozygotes.

Submissions (6):

Blueprint Genetics
Classification: Uncertain significance. Last evaluated: 2024-10-24. Review status: criteria provided, single submitter. Criteria: ACMG Guidelines, 2015. Collection method: clinical testing. Allele origin: germline.

Labcorp Genetics (formerly Invitae), Labcorp
Classification: Uncertain significance for Leber congenital amaurosis 3. Last evaluated: 2022-10-28. Review status: criteria provided, single submitter. Criteria: Invitae Variant Classification Sherloc (09022015). Collection method: clinical testing. Allele origin: germline.
Comment: This sequence change replaces leucine, which is neutral and non-polar, with phenylalanine, which is neutral and non-polar, at codon 475 of the SPATA7 protein (p.Leu475Phe). This variant is present in population databases (rs181052380, gnomAD 0.02%). This variant has not been reported in the literature in individuals affected with SPATA7-related conditions. ClinVar contains an entry for this variant (Variation ID: 314789). Advanced modeling of protein sequence and biophysical properties (such as structural, functional, and spatial information, amino acid conservation, physicochemical variation, residue mobility, and thermodynamic stability) performed at Invitae indicates that this missense variant is expected to disrupt SPATA7 protein function. In summary, the available evidence is currently insufficient to determine the role of this variant in disease. Therefore, it has been classified as a Variant of Uncertain Significance.

Illumina Laboratory Services, Illumina
Classification: Uncertain significance for Retinitis pigmentosa. Last evaluated: 2018-01-12. Review status: criteria provided, single submitter. Criteria: ICSL Variant Classification Criteria 13 December 2019. Collection method: clinical testing. Allele origin: germline.

Illumina Laboratory Services, Illumina
Classification: Uncertain significance for Leber congenital amaurosis 3. Last evaluated: 2018-01-12. Review status: criteria provided, single submitter. Criteria: ICSL Variant Classification Criteria 13 December 2019. Collection method: clinical testing. Allele origin: germline.

Breakthrough Genomics
Classification: Uncertain significance. Review status: criteria provided, single submitter. Criteria: ACMG Guidelines, 2015. Collection method: not provided. Allele origin: germline. Inheritance: Autosomal recessive inheritance. Affected: yes.

Institute of Human Genetics, Univ. Regensburg, Univ. Regensburg
Classification: Uncertain significance for Retinal dystrophy. Last evaluated: 2023-01-01. Review status: no assertion criteria provided. Criteria: ACMG Guidelines, 2015. Collection method: clinical testing. Allele origin: germline. Affected: yes. Not counted in ClinVar's aggregate classification.